The following is an entry in ClinVar:

NM_001853.4(COL9A3):c.1259A>G (p.Gln420Arg)

Gene: COL9A3 (collagen type IX alpha 3 chain; plus strand). Cytogenetic location: 20q13.33.
Variant type: single nucleotide variant.
Coding change: c.1259A>G on transcript NM_001853.4 (MANE Select); coding-DNA position 1259, A replaced by G.
Protein change: p.Gln420Arg; replaces glutamine 420 with arginine.
Molecular consequence: missense variant.
Genome position (GRCh38, 1-based): chr20:62,830,560, A>G. VCF-style: chr20-62830560-A-G. GRCh37 (hg19) VCF-style: chr20-61461912-A-G.
Other names: short protein forms Q420R.
Identifiers: ClinVar variation 1054518 (VCV001054518.15), dbSNP rs772405173, ClinGen allele CA9949853.

ClinVar aggregate classification (germline): Uncertain significance. Review status: criteria provided, multiple submitters, no conflicts (2 of 4 stars). 5 submissions from 5 submitters: Uncertain significance (5). Last evaluated 2026-01-20.

Conditions:
COL9A3-related disorder. Also called: COL9A3-related condition.
Inborn genetic diseases. Identifiers: MedGen C0950123, MeSH D030342.

Allele frequency attached by ClinVar (database versions not stated): gnomAD 0.00003; TOPMed 0.00003; gnomAD exomes 0.00006 and 0.00010; ExAC 0.00008.
gnomAD v4.1: 147 of 1,605,076 alleles (0.0092%); highest among the groups gnomAD compares: Middle Eastern, 0.017%; no homozygotes.

Submissions (5):

Labcorp Genetics (formerly Invitae), Labcorp
Classification: Uncertain significance. Last evaluated: 2026-01-20. Review status: criteria provided, single submitter. Criteria: Invitae Variant Classification Sherloc (09022015). Collection method: clinical testing. Allele origin: germline.
Comment: This sequence change replaces glutamine, which is neutral and polar, with arginine, which is basic and polar, at codon 420 of the COL9A3 protein (p.Gln420Arg). This variant is present in population databases (rs772405173, gnomAD 0.009%). This variant has not been reported in the literature in individuals affected with COL9A3-related conditions. ClinVar contains an entry for this variant (Variation ID: 1054518). Invitae Evidence Modeling of protein sequence and biophysical properties (such as structural, functional, and spatial information, amino acid conservation, physicochemical variation, residue mobility, and thermodynamic stability) indicates that this missense variant is not expected to disrupt COL9A3 protein function with a negative predictive value of 95%. In summary, the available evidence is currently insufficient to determine the role of this variant in disease. Therefore, it has been classified as a Variant of Uncertain Significance.

Women's Health and Genetics/Laboratory Corporation of America, LabCorp
Classification: Uncertain significance. Last evaluated: 2025-12-23. Review status: criteria provided, single submitter. Criteria: LabCorp Variant Classification Summary - May 2015. Collection method: clinical testing. Allele origin: germline.
Comment: Variant summary: COL9A3 c.1259A>G (p.Gln420Arg) results in a conservative amino acid change in the encoded protein sequence. Algorithms developed to predict the effect of missense changes on protein structure and function all suggest that this variant is likely to be tolerated. The variant allele was found at a frequency of 5.6e-05 in 231620 control chromosomes. This frequency is not significantly higher than estimated for disease-causing variants in COL9A3, allowing no conclusion about variant significance. To our knowledge, no occurrence of c.1259A>G in individuals affected with COL9A3-related conditions and no experimental evidence demonstrating its impact on protein function have been reported. ClinVar contains an entry for this variant (Variation ID: 1054518). Based on the evidence outlined above, the variant was classified as uncertain significance.

Ambry Genetics
Classification: Uncertain significance for Inborn genetic diseases. Last evaluated: 2025-05-20. Review status: criteria provided, single submitter. Criteria: Ambry Variant Classification Scheme 2023. Collection method: clinical testing. Allele origin: germline.

GeneDx
Classification: Uncertain significance. Last evaluated: 2025-02-21. Review status: criteria provided, single submitter. Criteria: GeneDx Variant Classification Process June 2021. Collection method: clinical testing. Allele origin: germline. Affected: yes.
Comment: In silico analysis indicates that this missense variant does not alter protein structure/function; Has not been previously published as pathogenic or benign to our knowledge

PreventionGenetics, part of Exact Sciences
Classification: Uncertain significance for COL9A3-related condition. Last evaluated: 2024-12-12. Review status: criteria provided, single submitter. Criteria: ACMG Guidelines, 2015. Collection method: clinical testing. Allele origin: germline.
Comment: The COL9A3 c.1259A>G variant is predicted to result in the amino acid substitution p.Gln420Arg. To our knowledge, this variant has not been reported in the literature. This variant is reported in 0.0087% of alleles in individuals of European (Non-Finnish) descent in gnomAD. At this time, the clinical significance of this variant is uncertain due to the absence of conclusive functional and genetic evidence.